The following is an entry in ClinVar:

ClinVar aggregate classification (germline): Uncertain significance (1 of 4 stars; one submission).

Submission:

Greenwood Genetic Center Diagnostic Laboratories, Greenwood Genetic Center
Classification: Uncertain significance. Last evaluated: 2025-06-26. Review status: criteria provided, single submitter. Criteria: ACMG Guidelines, 2015. Collection method: clinical testing. Allele origin: germline. Affected: yes.
Comment: PM2

NM_006013.5(RPL10):c.*1204C>G

Genes: DNASE1L1 (deoxyribonuclease 1 like 1; minus strand), RPL10 (ribosomal protein L10; plus strand). Cytogenetic location: Xq28.
Variant type: single nucleotide variant.
Coding change: c.*1204C>G on transcript NM_006013.5 (MANE Select); 1204 bases downstream of the stop codon, C replaced by G.
Molecular consequence: 3 prime UTR variant.
Genome position (GRCh38, 1-based): chrX:154,402,058, C>G. VCF-style: chrX-154402058-C-G. GRCh37 (hg19) VCF-style: chrX-153630399-C-G.
Other names: c.*649G>C (NM_001009932.3, NM_001009933.3, NM_001009934.3 and 2 more transcripts); c.*1035C>G (NM_001256577.2); c.*1204C>G (NM_001256580.2, NM_001303624.2, NM_001303625.1); c.*1400C>G (NM_001303626.1).
Identifiers: ClinVar variation 4538348 (VCV004538348.1).